The following is an entry in ClinVar:

NM_000257.4(MYH7):c.356G>T (p.Gly119Val)

Gene: MYH7 (myosin heavy chain 7; minus strand). Cytogenetic location: 14q11.2.
Variant type: single nucleotide variant.
Coding change: c.356G>T on transcript NM_000257.4 (MANE Select); coding-DNA position 356, G replaced by T.
Protein change: p.Gly119Val; replaces glycine 119 with valine.
Molecular consequence: missense variant.
Genome position (GRCh38, 1-based): chr14:23,432,785, C>A on the plus strand (G>T on the coding strand, the complement: MYH7 is on the minus strand). VCF-style: chr14-23432785-C-A. GRCh37 (hg19) VCF-style: chr14-23901994-C-A.
Other names: c.356G>T, p.Gly119Val (NM_001407004.1); short protein forms G119V.
Identifiers: ClinVar variation 2840811 (VCV002840811.3), dbSNP rs2502318357, ClinGen allele CA389052994.
Genomic context (GRCh38, chr14:23,432,785, plus strand): 5'-ACCACCTCAGGAGTGTACACCGGCAGCCACTTGTAAGGGTTGACGGTGACACAGAAGAGG[C>A]CCGAGTAGGTCTGGGGATAGAAAAGGAGCAGTGACTTGCCAGTTGCGAAGGGGGAGGGCT-3'
Protein context (NP_000248.2, residues 109-129): YGSWMIYTYS[Gly119Val]LFCVTVNPYK

ClinVar aggregate classification (germline): Uncertain significance (1 of 4 stars; one submission).

Conditions:
Hypertrophic cardiomyopathy. Also called: HYPERTROPHIC MYOCARDIOPATHY. Identifiers: Orphanet 217569, MedGen C0007194, MeSH D002312, MONDO:0005045, HP:0001639.

Submission:

Labcorp Genetics (formerly Invitae), Labcorp
Classification: Uncertain significance for Hypertrophic cardiomyopathy. Last evaluated: 2023-09-08. Review status: criteria provided, single submitter. Criteria: Invitae Variant Classification Sherloc (09022015). Collection method: clinical testing. Allele origin: germline.
Comment: This variant has not been reported in the literature in individuals affected with MYH7-related conditions. This variant is not present in population databases (gnomAD no frequency). This sequence change replaces glycine, which is neutral and non-polar, with valine, which is neutral and non-polar, at codon 119 of the MYH7 protein (p.Gly119Val). Advanced modeling of protein sequence and biophysical properties (such as structural, functional, and spatial information, amino acid conservation, physicochemical variation, residue mobility, and thermodynamic stability) performed at Invitae indicates that this missense variant is expected to disrupt MYH7 protein function. In summary, the available evidence is currently insufficient to determine the role of this variant in disease. Therefore, it has been classified as a Variant of Uncertain Significance.